The following is an entry in ClinVar:

NM_133642.5(LARGE1):c.2152C>T (p.Arg718Cys)

Gene: LARGE1 (LARGE xylosyl- and glucuronyltransferase 1; minus strand). Cytogenetic location: 22q12.3.
Variant type: single nucleotide variant.
Coding change: c.2152C>T on transcript NM_133642.5 (MANE Select); coding-DNA position 2152, C replaced by T.
Protein change: p.Arg718Cys; replaces arginine 718 with cysteine.
Molecular consequence: missense variant.
Genome position (GRCh38, 1-based): chr22:33,274,546, G>A on the plus strand (C>T on the coding strand, the complement: LARGE1 is on the minus strand). VCF-style: chr22-33274546-G-A. GRCh37 (hg19) VCF-style: chr22-33670532-G-A.
Other names: c.2152C>T (NM_004737.4); c.2152C>T, p.Arg718Cys (NM_001362949.2, NM_001362951.2, NM_001362953.2 and 4 more transcripts); c.2005C>T, p.Arg669Cys (NM_001378627.1, NM_001378628.1); c.1996C>T, p.Arg666Cys (NM_001378629.1); c.1549C>T, p.Arg517Cys (NM_001378630.1); c.1246C>T, p.Arg416Cys (NM_001378631.1); short protein forms R416C, R666C, R517C, R669C, R718C.
Identifiers: ClinVar variation 2881328 (VCV002881328.4), dbSNP rs1928795734, ClinGen allele CA411542441.
Genomic context (GRCh38, chr22:33,274,546, plus strand): 5'-TGTCCTGCTGAAACTCTTCCTTGAGGGTTTTGAGACAGATGCGGTATTGCTTGTTGGAAC[G>A]GAACTTGGTAATGTCGAAGCTGGGGGCATGAGGCATGTGGATCATGTAGGCGTTGGGCAG-3'
Protein context (NP_598397.1, residues 708-728): HAPSFDITKF[Arg718Cys]SNKQYRICLK

ClinVar aggregate classification (germline): Uncertain significance. Review status: criteria provided, multiple submitters, no conflicts (2 of 4 stars). 2 submissions from 2 submitters: Uncertain significance (2). Last evaluated 2024-12-04.

Conditions:
Muscular dystrophy-dystroglycanopathy type B6 (MDDGB6). Also called: MUSCULAR DYSTROPHY-DYSTROGLYCANOPATHY (CONGENITAL WITH IMPAIRED INTELLECTUAL DEVELOPMENT), TYPE B, 6; MUSCULAR DYSTROPHY, CONGENITAL, LARGE-RELATED; MUSCULAR DYSTROPHY, CONGENITAL, TYPE 1D. Identifiers: MedGen C1837229, MONDO:0012138, OMIM 608840.

gnomAD v4.1: 9 of 1,614,110 alleles (0.00056%); highest among the groups gnomAD compares: Non-Finnish European, 0.00076%; no homozygotes.

Submissions (2):

GeneDx
Classification: Uncertain significance. Last evaluated: 2024-12-04. Review status: criteria provided, single submitter. Criteria: GeneDx Variant Classification Process June 2021. Collection method: clinical testing. Allele origin: germline. Affected: yes.
Comment: Not observed at significant frequency in large population cohorts (gnomAD); In silico analysis supports that this missense variant has a deleterious effect on protein structure/function; Has not been previously published as pathogenic or benign to our knowledge; This variant is associated with the following publications: (PMID: 24709677, 25279699)

Labcorp Genetics (formerly Invitae), Labcorp
Classification: Uncertain significance for Muscular dystrophy-dystroglycanopathy type B6. Last evaluated: 2023-07-06. Review status: criteria provided, single submitter. Criteria: Invitae Variant Classification Sherloc (09022015). Collection method: clinical testing. Allele origin: germline.
Comment: Advanced modeling of protein sequence and biophysical properties (such as structural, functional, and spatial information, amino acid conservation, physicochemical variation, residue mobility, and thermodynamic stability) performed at Invitae indicates that this missense variant is expected to disrupt LARGE1 protein function. In summary, the available evidence is currently insufficient to determine the role of this variant in disease. Therefore, it has been classified as a Variant of Uncertain Significance. This variant has not been reported in the literature in individuals affected with LARGE1-related conditions. This variant is not present in population databases (gnomAD no frequency). This sequence change replaces arginine, which is basic and polar, with cysteine, which is neutral and slightly polar, at codon 718 of the LARGE1 protein (p.Arg718Cys).